The following is an entry in ClinVar:

ClinVar aggregate classification (germline): Uncertain significance (0 of 4 stars; one submission).

Conditions:
CERT1-related disorder. Also called: CERT1-related condition.

Submission:

PreventionGenetics, part of Exact Sciences
Classification: Uncertain significance for CERT1-related condition. Last evaluated: 2024-09-04. Review status: no assertion criteria provided. Collection method: clinical testing. Allele origin: germline.
Comment: The CERT1 c.554C>G variant is predicted to result in the amino acid substitution p.Ser185Cys. To our knowledge, this variant has not been reported in the literature or in a large population database, indicating this variant is rare. At this time, the clinical significance of this variant is uncertain due to the absence of conclusive functional and genetic evidence.

NM_001379029.1(CERT1):c.170C>G (p.Ser57Cys)

Gene: CERT1 (ceramide transporter 1; minus strand). Cytogenetic location: 5q13.3.
Variant type: single nucleotide variant.
Coding change: c.170C>G on transcript NM_001379029.1 (MANE Select); coding-DNA position 170, C replaced by G.
Protein change: p.Ser57Cys; replaces serine 57 with cysteine.
Molecular consequence: missense variant.
Genome position (GRCh38, 1-based): chr5:75,506,043, G>C on the plus strand (C>G on the coding strand, the complement: CERT1 is on the minus strand). VCF-style: chr5-75506043-G-C. GRCh37 (hg19) VCF-style: chr5-74801868-G-C.
Other names: c.554C>G, p.Ser185Cys (NM_001130105.1); c.170C>G, p.Ser57Cys (NM_001379002.1, NM_001379003.1, NM_001379004.1 and 2 more transcripts); short protein forms S185C, S57C.
Identifiers: ClinVar variation 3347487 (VCV003347487.1).